The following is an entry in ClinVar:

NM_014014.5(SNRNP200):c.470T>C (p.Ile157Thr)

Gene: SNRNP200 (small nuclear ribonucleoprotein U5 subunit 200; minus strand). Cytogenetic location: 2q11.2.
Variant type: single nucleotide variant.
Coding change: c.470T>C on transcript NM_014014.5 (MANE Select); coding-DNA position 470, T replaced by C.
Protein change: p.Ile157Thr; replaces isoleucine 157 with threonine.
Molecular consequence: missense variant.
Genome position (GRCh38, 1-based): chr2:96,301,628, A>G on the plus strand (T>C on the coding strand, the complement: SNRNP200 is on the minus strand). VCF-style: chr2-96301628-A-G. GRCh37 (hg19) VCF-style: chr2-96967366-A-G.
Other names: short protein forms I157T.
Identifiers: ClinVar variation 1020957 (VCV001020957.9), dbSNP rs779977034, ClinGen allele CA1779181.

ClinVar aggregate classification (germline): Uncertain significance (1 of 4 stars; one submission).

Allele frequency attached by ClinVar (database versions not stated): gnomAD exomes below 0.00001 and 0.00001; TOPMed below 0.00001; ExAC 0.00001; gnomAD 0.00001.
gnomAD v4.1: 5 of 1,614,046 alleles (0.00031%); highest among the groups gnomAD compares: Non-Finnish European, 0.00042%; no homozygotes.

Submission:

Labcorp Genetics (formerly Invitae), Labcorp
Classification: Uncertain significance. Last evaluated: 2020-02-02. Review status: criteria provided, single submitter. Criteria: Invitae Variant Classification Sherloc (09022015). Collection method: clinical testing. Allele origin: germline.
Comment: In summary, the available evidence is currently insufficient to determine the role of this variant in disease. Therefore, it has been classified as a Variant of Uncertain Significance. Algorithms developed to predict the effect of missense changes on protein structure and function are either unavailable or do not agree on the potential impact of this missense change (SIFT: "Deleterious"; PolyPhen-2: "Benign"; Align-GVGD: "Class C0"). This variant has not been reported in the literature in individuals with SNRNP200-related conditions. This variant is present in population databases (rs779977034, ExAC 0.001%). This sequence change replaces isoleucine with threonine at codon 157 of the SNRNP200 protein (p.Ile157Thr). The isoleucine residue is moderately conserved and there is a moderate physicochemical difference between isoleucine and threonine.